The following is an entry in ClinVar:

ClinVar aggregate classification (germline): Uncertain significance. Review status: criteria provided, multiple submitters, no conflicts (2 of 4 stars). 4 submissions from 4 submitters: Uncertain significance (4). Last evaluated 2025-05-19.

Conditions:
Familial cancer of breast. Also called: Hereditary breast cancer; hereditary breast carcinoma; BREAST CANCER, FAMILIAL. Identifiers: Orphanet 227535, MedGen C0346153, MONDO:0016419, OMIM 114480. Disease mechanism: loss of function.
Hereditary cancer-predisposing syndrome. Also called: Hereditary neoplastic syndrome; Neoplastic Syndromes, Hereditary; Tumor predisposition; Hereditary Cancer Syndrome. Identifiers: Orphanet 140162, MedGen C0027672, MeSH D009386, MONDO:0015356.
Fanconi anemia complementation group J. Also called: BRIP1-Related Fanconi Anemia. Identifiers: Orphanet 84, MedGen C1836860, MONDO:0012187, OMIM 609054.

Submissions (4):

Labcorp Genetics (formerly Invitae), Labcorp
Classification: Uncertain significance for Familial cancer of breast; Fanconi anemia complementation group J. Last evaluated: 2025-05-19. Review status: criteria provided, single submitter. Criteria: Invitae Variant Classification Sherloc (09022015). Collection method: clinical testing. Allele origin: germline.
Comment: This sequence change is expected to alter the c-terminus of the BRIP1 protein (p.Met1244Lysfs*12). While this is not anticipated to result in nonsense mediated decay, it is expected to disrupt the last 6 amino acid(s) of the BRIP1 protein and extend the protein by 5 additional amino acid residues. This variant is not present in population databases (gnomAD no frequency). This variant has not been reported in the literature in individuals affected with BRIP1-related conditions. ClinVar contains an entry for this variant (Variation ID: 407814). RNA analysis performed to evaluate the impact of this frameshift on mRNA splicing indicates it does not significantly alter splicing (internal data). In summary, the available evidence is currently insufficient to determine the role of this variant in disease. Therefore, it has been classified as a Variant of Uncertain Significance.

Baylor Genetics
Classification: Uncertain significance for Familial cancer of breast. Last evaluated: 2024-03-03. Review status: criteria provided, single submitter. Criteria: ACMG Guidelines, 2015. Collection method: clinical testing. Allele origin: unknown.

Ambry Genetics
Classification: Uncertain significance for Hereditary cancer-predisposing syndrome. Last evaluated: 2023-03-07. Review status: criteria provided, single submitter. Criteria: Ambry Variant Classification Scheme 2023. Collection method: clinical testing. Allele origin: germline.
Comment: The c.3726_3730dupAGGCA variant, located in coding exon 19 of the BRIP1 gene, results from a duplication of AGGCA at nucleotide position 3726, causing a translational frameshift with a predicted alternate stop codon (p.M1244Kfs*12). This alteration occurs at the 3' terminus of BRIP1 gene, is not expected to trigger nonsense-mediated mRNAdecay and results in the elongation of the protein by 6 amino acids. This frameshift impacts the last 6 amino acids of the native protein. The exact functional effect of the altered amino acids is unknown. Since supporting evidence is limited at this time, the clinical significance of this alteration remains unclear.

Color Diagnostics, LLC DBA Color Health
Classification: Uncertain significance for Hereditary cancer-predisposing syndrome. Last evaluated: 2019-11-11. Review status: criteria provided, single submitter. Criteria: ACMG Guidelines, 2015. Collection method: clinical testing. Allele origin: germline.
Comment: This variant inserts 5 nucleotides in exon 20 of the BRIP1 gene, creating a frameshift in the last coding exon and addition of 6 new amino acids before introducing a stop codon. This mutant transcript is predicted to escape nonsense-mediated decay. Splice site prediction tools suggest that this variant may not impact RNA splicing. To our knowledge, functional studies have not been performed for this variant. This variant has not been reported in individuals affected with hereditary cancer in the literature. This variant has been reported in 1 individual age 70 years or older without cancer by FLOSSIES. This variant has not been identified in the general population by the Genome Aggregation Database (gnomAD). The available evidence is insufficient to determine the role of this variant in disease conclusively. Therefore, this variant is classified as a Variant of Uncertain Significance.

NM_032043.3(BRIP1):c.3726_3730dup (p.Met1244fs)

Gene: BRIP1 (BRCA1 interacting DNA helicase 1; minus strand). Cytogenetic location: 17q23.2.
Variant type: Duplication.
Coding change: c.3726_3730dup on transcript NM_032043.3 (MANE Select); coding-DNA positions 3726 to 3730, 5 bases duplicated (AGGCA; older notation c.3726_3730dupAGGCA).
Protein change: p.Met1244fs; shifts the reading frame from methionine 1244.
Molecular consequence: frameshift variant.
Genome position (GRCh38, 1-based): chr17:61,683,316-61,683,320, TGCCT duplicated on the plus strand (AGGCA on the coding strand, the reverse complement: BRIP1 is on the minus strand); duplicating any 5 consecutive bases within chr17:61,683,316-61,683,321 gives the same sequence; the c. name uses the placement nearest the transcript's 3' end. VCF-style (leftmost placement, unchanged base first): chr17-61683315-A-ATGCCT. GRCh37 (hg19) VCF-style: chr17-59760676-A-ATGCCT.
Other names: c.3726_3730dupAGGCA (NM_032043.2); short protein forms M1244fs.
Identifiers: ClinVar variation 407814 (VCV000407814.19), dbSNP rs1491231712, ClinGen allele CA16615810.